The following is an entry in ClinVar:

NM_001001957.2(OR2W3):c.194A>G (p.His65Arg)

Gene: OR2W3 (olfactory receptor family 2 subfamily W member 3; plus strand). Cytogenetic location: 1q44.
Variant type: single nucleotide variant.
Coding change: c.194A>G on transcript NM_001001957.2 (MANE Select); coding-DNA position 194, A replaced by G.
Protein change: p.His65Arg; replaces histidine 65 with arginine.
Molecular consequence: missense variant.
Genome position (GRCh38, 1-based): chr1:247,895,780, A>G. VCF-style: chr1-247895780-A-G. GRCh37 (hg19) VCF-style: chr1-248059082-A-G.
Other names: short protein forms H65R.
Identifiers: ClinVar variation 1901382 (VCV001901382.5), dbSNP rs747968709, ClinGen allele CA1498538.

ClinVar aggregate classification (germline): Uncertain significance (1 of 4 stars; one submission).

Allele frequency attached by ClinVar (database versions not stated): gnomAD exomes below 0.00001; TOPMed below 0.00001; ExAC 0.00001.

Submission:

Labcorp Genetics (formerly Invitae), Labcorp
Classification: Uncertain significance. Last evaluated: 2024-03-16. Review status: criteria provided, single submitter. Criteria: Invitae Variant Classification Sherloc (09022015). Collection method: clinical testing. Allele origin: germline.
Comment: This sequence change replaces histidine, which is basic and polar, with arginine, which is basic and polar, at codon 65 of the OR2W3 protein (p.His65Arg). This variant is present in population databases (rs747968709, gnomAD 0.009%). This variant has not been reported in the literature in individuals affected with OR2W3-related conditions. ClinVar contains an entry for this variant (Variation ID: 1901382). An algorithm developed to predict the effect of missense changes on protein structure and function (PolyPhen-2) suggests that this variant is likely to be tolerated. In summary, the available evidence is currently insufficient to determine the role of this variant in disease. Therefore, it has been classified as a Variant of Uncertain Significance.